The following is an entry in ClinVar:

NM_032776.3(JMJD1C):c.1744G>T (p.Ala582Ser)

Gene: JMJD1C (jumonji domain containing 1C; minus strand). Cytogenetic location: 10q21.3.
Variant type: single nucleotide variant.
Coding change: c.1744G>T on transcript NM_032776.3 (MANE Select); coding-DNA position 1744, G replaced by T.
Protein change: p.Ala582Ser; replaces alanine 582 with serine.
Molecular consequence: missense variant. On other transcripts: non-coding transcript variant (1).
Genome position (GRCh38, 1-based): chr10:63,214,423, C>A on the plus strand (G>T on the coding strand, the complement: JMJD1C is on the minus strand). VCF-style: chr10-63214423-C-A. GRCh37 (hg19) VCF-style: chr10-64974183-C-A.
Other names: c.1198G>T, p.Ala400Ser (NM_001282948.2, NM_001318154.2); c.880G>T, p.Ala294Ser (NM_001318153.2); c.1630G>T, p.Ala544Ser (NM_001322252.2); c.1087G>T, p.Ala363Ser (NM_001322254.2, NM_001322258.2); short protein forms A294S, A363S, A400S, A544S, A582S.
Identifiers: ClinVar variation 1718463 (VCV001718463.5), dbSNP rs779490648, ClinGen allele CA377047894.
Genomic context (GRCh38, chr10:63,214,423, plus strand): 5'-GAGAAATGTAAGAGACATACTTCTCTTTTTCCATGTTCAAGTGATCATTTCCTGAAGAAG[C>A]ATTTGTAACACTTGATTGGGTTAGATCCACTTTAACTACATCACTGACCCAGCTCTGGTC-3'
Protein context (NP_116165.1, residues 572-592): VDLTQSSVTN[Ala582Ser]SSGNDHLNME

ClinVar aggregate classification (germline): Uncertain significance (1 of 4 stars; one submission).

Conditions:
Early Myoclonic Encephalopathy. Identifiers: MedGen C0270855.

Submission:

Labcorp Genetics (formerly Invitae), Labcorp
Classification: Uncertain significance for Early Myoclonic Encephalopathy. Last evaluated: 2022-08-31. Review status: criteria provided, single submitter. Criteria: Invitae Variant Classification Sherloc (09022015). Collection method: clinical testing. Allele origin: germline.
Comment: This variant has not been reported in the literature in individuals affected with JMJD1C-related conditions. In summary, the available evidence is currently insufficient to determine the role of this variant in disease. Therefore, it has been classified as a Variant of Uncertain Significance. Algorithms developed to predict the effect of missense changes on protein structure and function (SIFT, PolyPhen-2, Align-GVGD) all suggest that this variant is likely to be tolerated. This variant is not present in population databases (gnomAD no frequency). This sequence change replaces alanine, which is neutral and non-polar, with serine, which is neutral and polar, at codon 582 of the JMJD1C protein (p.Ala582Ser).